The following is an entry in ClinVar:

ClinVar aggregate classification (germline): Uncertain significance (1 of 4 stars; one submission).

Allele frequency attached by ClinVar (database versions not stated): ExAC 0.00002.

Submission:

Labcorp Genetics (formerly Invitae), Labcorp
Classification: Uncertain significance. Last evaluated: 2024-08-05. Review status: criteria provided, single submitter. Criteria: Invitae Variant Classification Sherloc (09022015). Collection method: clinical testing. Allele origin: germline.
Comment: This sequence change replaces arginine, which is basic and polar, with leucine, which is neutral and non-polar, at codon 70 of the SLC22A4 protein (p.Arg70Leu). This variant is present in population databases (rs749095440, gnomAD 0.005%). This variant has not been reported in the literature in individuals affected with SLC22A4-related conditions. Advanced modeling of protein sequence and biophysical properties (such as structural, functional, and spatial information, amino acid conservation, physicochemical variation, residue mobility, and thermodynamic stability) performed at Invitae indicates that this missense variant is not expected to disrupt SLC22A4 protein function with a negative predictive value of 80%. In summary, the available evidence is currently insufficient to determine the role of this variant in disease. Therefore, it has been classified as a Variant of Uncertain Significance.

NM_003059.3(SLC22A4):c.209G>T (p.Arg70Leu)

Gene: SLC22A4 (solute carrier family 22 member 4; plus strand). Cytogenetic location: 5q31.1.
Variant type: single nucleotide variant.
Coding change: c.209G>T on transcript NM_003059.3 (MANE Select); coding-DNA position 209, G replaced by T.
Protein change: p.Arg70Leu; replaces arginine 70 with leucine.
Molecular consequence: missense variant.
Genome position (GRCh38, 1-based): chr5:132,294,825, G>T. VCF-style: chr5-132294825-G-T. GRCh37 (hg19) VCF-style: chr5-131630518-G-T.
Other names: short protein forms R70L.
Identifiers: ClinVar variation 2993735 (VCV002993735.3), dbSNP rs749095440, ClinGen allele CA3403324.
Genomic context (GRCh38, chr5:132,294,825, plus strand): 5'-GTCGAGTGCCGGACGCCGCGAACCTGAGCAGCGCCTGGCGCAACAACAGTGTCCCGCTGC[G>T]GCTGCGGGACGGCCGCGAGGTGCCCCACAGCTGCAGCCGCTACCGGCTCGCCACCATCGC-3'
Protein context (NP_003050.2, residues 60-80): SAWRNNSVPL[Arg70Leu]LRDGREVPHS